The following is an entry in ClinVar:

NM_016816.4(OAS1):c.787A>G (p.Ile263Val)

Gene: OAS1 (2'-5'-oligoadenylate synthetase 1; plus strand). Cytogenetic location: 12q24.13.
Variant type: single nucleotide variant.
Coding change: c.787A>G on transcript NM_016816.4 (MANE Select); coding-DNA position 787, A replaced by G.
Protein change: p.Ile263Val; replaces isoleucine 263 with valine.
Molecular consequence: missense variant. On other transcripts: non-coding transcript variant (9).
Genome position (GRCh38, 1-based): chr12:112,916,641, A>G. VCF-style: chr12-112916641-A-G. GRCh37 (hg19) VCF-style: chr12-113354446-A-G.
Other names: c.787A>G, p.Ile263Val (NM_001032409.3, NM_001320151.2, NM_001406022.1 and 2 more transcripts); c.763A>G, p.Ile255Val (NM_001406020.1, NM_001406021.1, NM_001406023.1 and 2 more transcripts); c.313A>G, p.Ile105Val (NM_001406026.1, NM_001406027.1, NM_001406029.1 and 1 more transcripts); short protein forms I255V, I263V, I105V.
Identifiers: ClinVar variation 2783843 (VCV002783843.3), dbSNP rs2540973411, ClinGen allele CA386805755.

ClinVar aggregate classification (germline): Uncertain significance (1 of 4 stars; one submission).

Submission:

Labcorp Genetics (formerly Invitae), Labcorp
Classification: Uncertain significance. Last evaluated: 2023-12-19. Review status: criteria provided, single submitter. Criteria: Invitae Variant Classification Sherloc (09022015). Collection method: clinical testing. Allele origin: germline.
Comment: This sequence change replaces isoleucine, which is neutral and non-polar, with valine, which is neutral and non-polar, at codon 263 of the OAS1 protein (p.Ile263Val). This variant is not present in population databases (gnomAD no frequency). This variant has not been reported in the literature in individuals affected with OAS1-related conditions. Algorithms developed to predict the effect of missense changes on protein structure and function output the following: SIFT: "Not Available"; PolyPhen-2: "Benign"; Align-GVGD: "Not Available". The valine amino acid residue is found in multiple mammalian species, which suggests that this missense change does not adversely affect protein function. In summary, the available evidence is currently insufficient to determine the role of this variant in disease. Therefore, it has been classified as a Variant of Uncertain Significance.